The following is an entry in ClinVar:

ClinVar aggregate classification (germline): Uncertain significance (1 of 4 stars; one submission).

Submission:

Ambry Genetics
Classification: Uncertain significance. Last evaluated: 2026-05-19. Review status: criteria provided, single submitter. Criteria: Ambry Variant Classification Scheme 2023. Collection method: clinical testing. Allele origin: germline.
Comment: The p.P634R variant (also known as c.1901C>G), located in coding exon 8 of the RNF43 gene, results from a C to G substitution at nucleotide position 1901. The proline at codon 634 is replaced by arginine, an amino acid with dissimilar properties. This amino acid position is conserved. In addition, this alteration is predicted to be tolerated by in silico analysis. Based on the available evidence, the clinical significance of this variant remains unclear.

NM_017763.6(RNF43):c.1901C>G (p.Pro634Arg)

Gene: RNF43 (ring finger protein 43; minus strand). Cytogenetic location: 17q22.
Variant type: single nucleotide variant.
Coding change: c.1901C>G on transcript NM_017763.6 (MANE Select); coding-DNA position 1901, C replaced by G.
Protein change: p.Pro634Arg; replaces proline 634 with arginine.
Molecular consequence: missense variant.
Genome position (GRCh38, 1-based): chr17:58,357,875, G>C on the plus strand (C>G on the coding strand, the complement: RNF43 is on the minus strand). VCF-style: chr17-58357875-G-C. GRCh37 (hg19) VCF-style: chr17-56435236-G-C.
Other names: c.1901C>G, p.Pro634Arg (NM_001305544.3, NM_001438820.1, NM_001438821.1 and 1 more transcripts); c.1520C>G, p.Pro507Arg (NM_001305545.2, NM_001437987.1); short protein forms P507R, P634R.
Identifiers: ClinVar variation 4863419 (VCV004863419.1).
Genomic context (GRCh38, chr17:58,357,875, plus strand): 5'-CTCTGTGGGTGTCGGGCAGAGAGGCTGGATTTTTGCAAGTTGAACAGACTGCTGGTACTG[G>C]GGCAGATGCTGGAGGCGTCAACTGGGCCAGGGGCTGGCTCAGGGAGGGCCCTGGGGCACT-3'
Protein context (NP_060233.3, residues 624-644): PGPVDASSIC[Pro634Arg]STSSLFNLQK